The following is an entry in ClinVar:

ClinVar aggregate classification (germline): Uncertain significance (1 of 4 stars; one submission).

Allele frequency attached by ClinVar (database versions not stated): gnomAD exomes below 0.00001 and 0.00001; TOPMed below 0.00001; gnomAD 0.00001; ExAC 0.00002.
gnomAD v4.1: 6 of 1,596,218 alleles (0.00038%); highest among the groups gnomAD compares: Admixed American, 0.01%; no homozygotes.

Submission:

Labcorp Genetics (formerly Invitae), Labcorp
Classification: Uncertain significance. Last evaluated: 2021-08-19. Review status: criteria provided, single submitter. Criteria: Invitae Variant Classification Sherloc (09022015). Collection method: clinical testing. Allele origin: germline.
Comment: This sequence change affects codon 1119 of the MPDZ mRNA. It is a 'silent' change, meaning that it does not change the encoded amino acid sequence of the MPDZ protein. This variant is present in population databases (rs768453439, ExAC 0.02%). This variant has not been reported in the literature in individuals affected with MPDZ-related conditions. Algorithms developed to predict the effect of sequence changes on RNA splicing suggest that this variant may create or strengthen a splice site. In summary, the available evidence is currently insufficient to determine the role of this variant in disease. Therefore, it has been classified as a Variant of Uncertain Significance.

NM_001378778.1(MPDZ):c.3357C>T (p.Gly1119=)

Gene: MPDZ (multiple PDZ domain crumbs cell polarity complex component; minus strand). Cytogenetic location: 9p23.
Variant type: single nucleotide variant.
Coding change: c.3357C>T on transcript NM_001378778.1 (MANE Select); coding-DNA position 3357, C replaced by T.
Protein change: p.Gly1119=; no amino-acid change (glycine 1119 retained).
Molecular consequence: synonymous variant. On other transcripts: intron variant (1).
Genome position (GRCh38, 1-based): chr9:13,162,693, G>A on the plus strand (C>T on the coding strand, the complement: MPDZ is on the minus strand). VCF-style: chr9-13162693-G-A. GRCh37 (hg19) VCF-style: chr9-13162692-G-A.
Other names: c.3357C>T, p.Gly1119= (NM_001261406.2, NM_001261407.2, NM_001330637.2 and 13 more transcripts); c.3254+5673C>T (NM_001375427.1).
Identifiers: ClinVar variation 1513796 (VCV001513796.6), dbSNP rs768453439, ClinGen allele CA4987158.